The following is an entry in ClinVar:

NM_024334.3(TMEM43):c.560T>C (p.Ile187Thr)

Gene: TMEM43 (transmembrane protein 43; plus strand). Cytogenetic location: 3p25.1.
Variant type: single nucleotide variant.
Coding change: c.560T>C on transcript NM_024334.3 (MANE Select); coding-DNA position 560, T replaced by C.
Protein change: p.Ile187Thr; replaces isoleucine 187 with threonine.
Molecular consequence: missense variant.
Genome position (GRCh38, 1-based): chr3:14,133,786, T>C. VCF-style: chr3-14133786-T-C. GRCh37 (hg19) VCF-style: chr3-14175286-T-C.
Other names: c.560T>C (NM_024334.2); short protein forms I187T.
Identifiers: ClinVar variation 1038317 (VCV001038317.13), dbSNP rs772317634, ClinGen allele CA054341.

ClinVar aggregate classification (germline): Uncertain significance. Review status: criteria provided, multiple submitters, no conflicts (2 of 4 stars). 4 submissions from 4 submitters: Uncertain significance (4). Last evaluated 2024-09-23.

Conditions:
Arrhythmogenic right ventricular dysplasia 5. Also called: Arrhythmogenic Right Ventricular Dysplasia/Cardiomyopathy 5; ARRHYTHMOGENIC RIGHT VENTRICULAR DYSPLASIA, FAMILIAL, 5. Identifiers: MedGen C1858379, MONDO:0011459, OMIM 604400.

Allele frequency attached by ClinVar (database versions not stated): gnomAD exomes below 0.00001; ExAC 0.00001; gnomAD 0.00001.
gnomAD v4.1: 4 of 1,614,052 alleles (0.00025%); highest among the groups gnomAD compares: South Asian, 0.0022%; no homozygotes.

Submissions (4):

All of Us Research Program, National Institutes of Health
Classification: Uncertain significance for Arrhythmogenic right ventricular dysplasia 5. Last evaluated: 2024-09-23. Review status: criteria provided, single submitter. Criteria: ACMG Guidelines, 2015. Collection method: clinical testing. Allele origin: germline. Inheritance: Autosomal dominant inheritance. Observed: 1 variant allele, 1 heterozygote.
Comment: This study involves interpretation of variants in research participants for the purpose of population health screening. Participant phenotype was not available at the time of variant classification. Additional details can be found in publication PMID: 35346344, PMCID: PMC8962531

GeneDx
Classification: Uncertain significance. Last evaluated: 2024-07-01. Review status: criteria provided, single submitter. Criteria: GeneDx Variant Classification Process June 2021. Collection method: clinical testing. Allele origin: germline. Affected: yes.
Comment: Not observed at significant frequency in large population cohorts (gnomAD); In silico analysis supports that this missense variant has a deleterious effect on protein structure/function; Has not been previously published as pathogenic or benign to our knowledge

Labcorp Genetics (formerly Invitae), Labcorp
Classification: Uncertain significance for Arrhythmogenic right ventricular dysplasia 5. Last evaluated: 2022-03-18. Review status: criteria provided, single submitter. Criteria: Invitae Variant Classification Sherloc (09022015). Collection method: clinical testing. Allele origin: germline.
Comment: ClinVar contains an entry for this variant (Variation ID: 1038317). In summary, the available evidence is currently insufficient to determine the role of this variant in disease. Therefore, it has been classified as a Variant of Uncertain Significance. Algorithms developed to predict the effect of missense changes on protein structure and function are either unavailable or do not agree on the potential impact of this missense change (SIFT: "Deleterious"; PolyPhen-2: "Benign"; Align-GVGD: "Class C0"). This variant has not been reported in the literature in individuals affected with TMEM43-related conditions. This variant is present in population databases (rs772317634, gnomAD 0.002%). This sequence change replaces isoleucine, which is neutral and non-polar, with threonine, which is neutral and polar, at codon 187 of the TMEM43 protein (p.Ile187Thr).

Revvity Omics, Revvity
Classification: Uncertain significance. Last evaluated: 2019-11-25. Review status: criteria provided, single submitter. Criteria: ACMG Guidelines, 2015. Collection method: clinical testing. Allele origin: germline.